The following is an entry in ClinVar:

ClinVar aggregate classification (germline): Uncertain significance (1 of 4 stars; one submission).

Conditions:
Malignant hyperthermia, susceptibility to, 5 (MHS5). Also called: CACNA1S-Related Malignant Hyperthermia Susceptibility. Identifiers: Orphanet 423, MedGen C1866077, MONDO:0011163, OMIM 601887.

gnomAD v4.1: 1 of 1,614,120 alleles (0.000062%); highest among the groups gnomAD compares: Non-Finnish European, 0.000085%; no homozygotes.

Submission:

All of Us Research Program, National Institutes of Health
Classification: Uncertain significance for Malignant hyperthermia, susceptibility to, 5. Last evaluated: 2024-07-29. Review status: criteria provided, single submitter. Criteria: ACMG Guidelines, 2015. Collection method: clinical testing. Allele origin: germline. Inheritance: Autosomal dominant inheritance. Observed: 1 variant allele, 1 heterozygote.
Comment: This missense variant replaces threonine with isoleucine at codon 1694 of the CACNA1S protein. Computational prediction suggests that this variant may not impact protein structure and function (internally defined REVEL score threshold <= 0.5, PMID: 27666373). To our knowledge, functional studies have not been reported for this variant. This variant has not been reported in individuals affected with CACNA1S-related disorders in the literature. This variant has not been identified in the general population by the Genome Aggregation Database (gnomAD). The available evidence is insufficient to determine the role of this variant in disease conclusively. Therefore, this variant is classified as a Variant of Uncertain Significance.

This study involves interpretation of variants in research participants for the purpose of population health screening. Participant phenotype was not available at the time of variant classification. Additional details can be found in publication PMID: 35346344, PMCID: PMC8962531

NM_000069.3(CACNA1S):c.5081C>T (p.Thr1694Ile)

Gene: CACNA1S (calcium voltage-gated channel subunit alpha1 S; minus strand). Cytogenetic location: 1q32.1.
Variant type: single nucleotide variant.
Coding change: c.5081C>T on transcript NM_000069.3 (MANE Select); coding-DNA position 5081, C replaced by T.
Protein change: p.Thr1694Ile; replaces threonine 1694 with isoleucine.
Molecular consequence: missense variant.
Genome position (GRCh38, 1-based): chr1:201,041,557, G>A on the plus strand (C>T on the coding strand, the complement: CACNA1S is on the minus strand). VCF-style: chr1-201041557-G-A. GRCh37 (hg19) VCF-style: chr1-201010685-G-A.
Other names: short protein forms T1694I.
Identifiers: ClinVar variation 3386282 (VCV003386282.1).